The following is an entry in ClinVar:

ClinVar aggregate classification (germline): Uncertain significance (1 of 4 stars; one submission).

Allele frequency attached by ClinVar (database versions not stated): gnomAD 0.00001; TOPMed 0.00001.
gnomAD v4.1: 1 of 1,613,388 alleles (0.000062%); highest among the groups gnomAD compares: African/African-American, 0.0013%; no homozygotes.

Submission:

Labcorp Genetics (formerly Invitae), Labcorp
Classification: Uncertain significance. Last evaluated: 2022-06-24. Review status: criteria provided, single submitter. Criteria: Invitae Variant Classification Sherloc (09022015). Collection method: clinical testing. Allele origin: germline.
Comment: This variant has not been reported in the literature in individuals affected with MYH9-related conditions. In summary, the available evidence is currently insufficient to determine the role of this variant in disease. Therefore, it has been classified as a Variant of Uncertain Significance. Algorithms developed to predict the effect of missense changes on protein structure and function (SIFT, PolyPhen-2, Align-GVGD) all suggest that this variant is likely to be disruptive. This variant is not present in population databases (gnomAD no frequency). This sequence change replaces proline, which is neutral and non-polar, with serine, which is neutral and polar, at codon 709 of the MYH9 protein (p.Pro709Ser).

NM_002473.6(MYH9):c.2125C>T (p.Pro709Ser)

Gene: MYH9 (myosin heavy chain 9; minus strand). Cytogenetic location: 22q12.3.
Variant type: single nucleotide variant.
Coding change: c.2125C>T on transcript NM_002473.6 (MANE Select); coding-DNA position 2125, C replaced by T.
Protein change: p.Pro709Ser; replaces proline 709 with serine.
Molecular consequence: missense variant.
Genome position (GRCh38, 1-based): chr22:36,305,964, G>A on the plus strand (C>T on the coding strand, the complement: MYH9 is on the minus strand). VCF-style: chr22-36305964-G-A. GRCh37 (hg19) VCF-style: chr22-36702010-G-A.
Other names: short protein forms P709S.
Identifiers: ClinVar variation 2010150 (VCV002010150.4), dbSNP rs1310965766, ClinGen allele CA411397387.